The following is an entry in ClinVar:

NM_001102469.2(LIPN):c.968A>G (p.His323Arg)

Gene: LIPN (lipase family member N; plus strand). Cytogenetic location: 10q23.31.
Variant type: single nucleotide variant.
Coding change: c.968A>G on transcript NM_001102469.2 (MANE Select); coding-DNA position 968, A replaced by G.
Protein change: p.His323Arg; replaces histidine 323 with arginine.
Molecular consequence: missense variant.
Genome position (GRCh38, 1-based): chr10:88,778,013, A>G. VCF-style: chr10-88778013-A-G. GRCh37 (hg19) VCF-style: chr10-90537770-A-G.
Other names: c.968A>G (NM_001102469.1); short protein forms H323R.
Identifiers: ClinVar variation 3704579 (VCV003704579.3).

ClinVar aggregate classification (germline): Conflicting classifications of pathogenicity. Review status: criteria provided, conflicting classifications (1 of 4 stars). 2 submissions from 2 submitters: Uncertain significance (1); Likely benign (1). Last evaluated 2025-11-20.

gnomAD v4.1: 23 of 1,607,728 alleles (0.0014%); highest among the groups gnomAD compares: African/African-American, 0.029%; no homozygotes.

Submissions (2):

Ambry Genetics
Classification: Likely benign. Last evaluated: 2025-11-20. Review status: criteria provided, single submitter. Criteria: Ambry Variant Classification Scheme 2023. Collection method: clinical testing. Allele origin: germline.

Labcorp Genetics (formerly Invitae), Labcorp
Classification: Uncertain significance. Last evaluated: 2024-02-22. Review status: criteria provided, single submitter. Criteria: Invitae Variant Classification Sherloc (09022015). Collection method: clinical testing. Allele origin: germline.
Comment: This sequence change replaces histidine, which is basic and polar, with arginine, which is basic and polar, at codon 323 of the LIPN protein (p.His323Arg). This variant is present in population databases (rs770226328, gnomAD 0.02%). This variant has not been reported in the literature in individuals affected with LIPN-related conditions. Algorithms developed to predict the effect of missense changes on protein structure and function output the following: SIFT: "Not Available"; PolyPhen-2: "Benign"; Align-GVGD: "Not Available". The arginine amino acid residue is found in multiple mammalian species, which suggests that this missense change does not adversely affect protein function. In summary, the available evidence is currently insufficient to determine the role of this variant in disease. Therefore, it has been classified as a Variant of Uncertain Significance.